The following is an entry in ClinVar:

NM_000038.6(APC):c.700C>G (p.Leu234Val)

Gene: APC (APC regulator of Wnt signaling pathway; plus strand). Cytogenetic location: 5q22.2.
Variant type: single nucleotide variant.
Coding change: c.700C>G on transcript NM_000038.6 (MANE Select); coding-DNA position 700, C replaced by G.
Protein change: p.Leu234Val; replaces leucine 234 with valine.
Molecular consequence: missense variant. On other transcripts: 5 prime UTR variant (1), intron variant (2).
Genome position (GRCh38, 1-based): chr5:112,792,500, C>G. VCF-style: chr5-112792500-C-G. GRCh37 (hg19) VCF-style: chr5-112128197-C-G.
Other names: c.700C>G, p.Leu234Val (NM_001127510.3, NM_001354895.2, NM_001354896.2 and 1 more transcripts); c.730C>G, p.Leu244Val (NM_001354897.2, NM_001354902.2); c.625C>G, p.Leu209Val (NM_001354898.2, NM_001354904.2); c.523C>G, p.Leu175Val (NM_001354900.2, NM_001354901.2, NM_001354905.2); c.-336C>G (NM_001354906.2); c.676-8779C>G (NM_001127511.3); c.646-8779C>G (NM_001354899.2); short protein forms L234V, L244V, L175V, L209V.
Identifiers: ClinVar variation 961845 (VCV000961845.12), dbSNP rs1554074777, ClinGen allele CA16022864.
Genomic context (GRCh38, chr5:112,792,500, plus strand): 5'-TTTTAGCGAAGAATAGCCAGAATTCAGCAAATCGAAAAGGACATACTTCGTATACGACAG[C>G]TTTTACAGTCCCAAGCAACAGAAGCAGAGGTTAGTAAATTGCCTTTCTTGTTTGTGGGTA-3'
Protein context (NP_000029.2, residues 224-244): IEKDILRIRQ[Leu234Val]LQSQATEAER

ClinVar aggregate classification (germline): Uncertain significance. Review status: criteria provided, multiple submitters, no conflicts (2 of 4 stars). 2 submissions from 2 submitters: Uncertain significance (2). Last evaluated 2026-05-21.

Conditions:
Hereditary cancer-predisposing syndrome. Also called: Hereditary Cancer Syndrome; Neoplastic Syndromes, Hereditary; Tumor predisposition; Hereditary neoplastic syndrome. Identifiers: Orphanet 140162, MedGen C0027672, MeSH D009386, MONDO:0015356.
Familial adenomatous polyposis 1 (FAP1). Also called: FAMILIAL ADENOMATOUS POLYPOSIS 1, ATTENUATED; POLYPOSIS, ADENOMATOUS INTESTINAL. Identifiers: MedGen C2713442, MONDO:0021056, OMIM 175100. Disease mechanism: loss of function.

Submissions (2):

Ambry Genetics
Classification: Uncertain significance for Hereditary cancer-predisposing syndrome. Last evaluated: 2026-05-21. Review status: criteria provided, single submitter. Criteria: Ambry Variant Classification Scheme 2023. Collection method: clinical testing. Allele origin: germline.
Comment: The p.L234V variant (also known as c.700C>G), located in coding exon 6 of the APC gene, results from a C to G substitution at nucleotide position 700. The leucine at codon 234 is replaced by valine, an amino acid with highly similar properties. This amino acid position is conserved. In addition, in silico predictors for this gene do not accurately predict pathogenicity. Based on the available evidence, the clinical significance of this variant remains unclear.

Labcorp Genetics (formerly Invitae), Labcorp
Classification: Uncertain significance for Familial adenomatous polyposis 1. Last evaluated: 2019-07-29. Review status: criteria provided, single submitter. Criteria: Invitae Variant Classification Sherloc (09022015). Collection method: clinical testing. Allele origin: germline.
Comment: In summary, the available evidence is currently insufficient to determine the role of this variant in disease. Therefore, it has been classified as a Variant of Uncertain Significance. Algorithms developed to predict the effect of sequence changes on RNA splicing suggest that this variant may create or strengthen a splice site, but this prediction has not been confirmed by published transcriptional studies. Algorithms developed to predict the effect of missense changes on protein structure and function (SIFT, PolyPhen-2, Align-GVGD) all suggest that this variant is likely to be tolerated, but these predictions have not been confirmed by published functional studies and their clinical significance is uncertain. This variant has not been reported in the literature in individuals with APC-related conditions. This variant is not present in population databases (ExAC no frequency). This sequence change replaces leucine with valine at codon 234 of the APC protein (p.Leu234Val). The leucine residue is moderately conserved and there is a small physicochemical difference between leucine and valine.